The following is an entry in ClinVar:

NM_138576.4(BCL11B):c.932C>G (p.Pro311Arg)

Gene: BCL11B (BCL11 transcription factor B; minus strand). Cytogenetic location: 14q32.2.
Variant type: single nucleotide variant.
Coding change: c.932C>G on transcript NM_138576.4 (MANE Select); coding-DNA position 932, C replaced by G.
Protein change: p.Pro311Arg; replaces proline 311 with arginine.
Molecular consequence: missense variant.
Genome position (GRCh38, 1-based): chr14:99,175,904, G>C on the plus strand (C>G on the coding strand, the complement: BCL11B is on the minus strand). VCF-style: chr14-99175904-G-C. GRCh37 (hg19) VCF-style: chr14-99642241-G-C.
Other names: c.929C>G, p.Pro310Arg (NM_001282237.2); c.716C>G, p.Pro239Arg (NM_001282238.2); c.719C>G, p.Pro240Arg (NM_022898.3); short protein forms P240R, P311R, P239R, P310R.
Identifiers: ClinVar variation 5009095 (VCV005009095.1).

ClinVar aggregate classification (germline): Uncertain significance (1 of 4 stars; one submission).

Submission:

GeneDx
Classification: Uncertain significance. Last evaluated: 2026-03-12. Review status: criteria provided, single submitter. Criteria: GeneDx Variant Classification Process June 2021. Collection method: clinical testing. Allele origin: germline.
Comment: In silico analysis supports that this missense variant has a deleterious effect on protein structure/function; Has not been previously published as pathogenic or benign to our knowledge